The following is an entry in ClinVar:

NM_005012.4(ROR1):c.1701A>T (p.Arg567Ser)

Gene: ROR1 (receptor tyrosine kinase like orphan receptor 1; plus strand). Cytogenetic location: 1p31.3.
Variant type: single nucleotide variant.
Coding change: c.1701A>T on transcript NM_005012.4 (MANE Select); coding-DNA position 1701, A replaced by T.
Protein change: p.Arg567Ser; replaces arginine 567 with serine.
Molecular consequence: missense variant.
Genome position (GRCh38, 1-based): chr1:64,177,742, A>T. VCF-style: chr1-64177742-A-T. GRCh37 (hg19) VCF-style: chr1-64643425-A-T.
Other names: short protein forms R567S.
Identifiers: ClinVar variation 4802630 (VCV004802630.1).

ClinVar aggregate classification (germline): Uncertain significance (1 of 4 stars; one submission).

gnomAD v4.1: 7 of 1,613,972 alleles (0.00043%); highest among the groups gnomAD compares: African/African-American, 0.008%; no homozygotes.

Submission:

Labcorp Genetics (formerly Invitae), Labcorp
Classification: Uncertain significance. Last evaluated: 2026-01-21. Review status: criteria provided, single submitter. Criteria: Invitae Variant Classification Sherloc (09022015). Collection method: clinical testing. Allele origin: germline.
Comment: This sequence change replaces arginine, which is basic and polar, with serine, which is neutral and polar, at codon 567 of the ROR1 protein (p.Arg567Ser). This variant is present in population databases (rs139252286, gnomAD 0.01%). This variant has not been reported in the literature in individuals affected with ROR1-related conditions. Invitae Evidence Modeling of protein sequence and biophysical properties (such as structural, functional, and spatial information, amino acid conservation, physicochemical variation, residue mobility, and thermodynamic stability) has been performed for this missense variant. However, the output from this modeling did not meet the statistical confidence thresholds required to predict the impact of this variant on ROR1 protein function. In summary, the available evidence is currently insufficient to determine the role of this variant in disease. Therefore, it has been classified as a Variant of Uncertain Significance.